The following is an entry in ClinVar:

NM_001605.3(AARS1):c.2595C>T (p.Gly865=)

Gene: AARS1 (alanyl-tRNA synthetase 1; minus strand). Cytogenetic location: 16q22.1.
Variant type: single nucleotide variant.
Coding change: c.2595C>T on transcript NM_001605.3 (MANE Select); coding-DNA position 2595, C replaced by T.
Protein change: p.Gly865=; no amino-acid change (glycine 865 retained).
Molecular consequence: synonymous variant.
Genome position (GRCh38, 1-based): chr16:70,253,726, G>A on the plus strand (C>T on the coding strand, the complement: AARS1 is on the minus strand). VCF-style: chr16-70253726-G-A. GRCh37 (hg19) VCF-style: chr16-70287629-G-A.
Identifiers: ClinVar variation 572087 (VCV000572087.13), dbSNP rs751781504, ClinGen allele CA283424077.
Genomic context (GRCh38, chr16:70,253,726, plus strand): 5'-CAGAGAGCTGATGAGCCCTAGGGGAGGGGACCCTGGCCCCTGGGTTGCCTTGGCTGAGGC[G>A]CCGCTCTCCATCTCCAGGATGACAAGAGGCTGGTTGGGGTTGCTGTCGATGAACTGCTTC-3'
Protein context (NP_001596.2, residues 855-875): QPLVILEMES[Gly865=]ASAKALNEAL

ClinVar aggregate classification (germline): Conflicting classifications of pathogenicity. Review status: criteria provided, conflicting classifications (1 of 4 stars). 3 submissions from 3 submitters: Uncertain significance (2); Likely benign (1). Last evaluated 2025-06-17.

Conditions:
Inborn genetic diseases. Identifiers: MedGen C0950123, MeSH D030342.
Charcot-Marie-Tooth disease type 2. Also called: Charcot-Marie-Tooth type 2. Identifiers: Orphanet 64746, MedGen C0270914, MONDO:0018993.

Allele frequency attached by ClinVar (database versions not stated): gnomAD exomes below 0.00001; TOPMed below 0.00001.
gnomAD v4.1: 3 of 1,613,912 alleles (0.00019%); highest among the groups gnomAD compares: South Asian, 0.0011%; no homozygotes.

Submissions (3):

GeneDx
Classification: Uncertain significance. Last evaluated: 2025-06-17. Review status: criteria provided, single submitter. Criteria: GeneDx Variant Classification Process June 2021. Collection method: clinical testing. Allele origin: germline. Affected: yes.
Comment: Has not been previously published as pathogenic or benign to our knowledge; In silico analysis suggests this variant may impact gene splicing. In the absence of RNA/functional studies, the actual effect of this sequence change is unknown.

Labcorp Genetics (formerly Invitae), Labcorp
Classification: Uncertain significance for Charcot-Marie-Tooth disease type 2. Last evaluated: 2022-09-15. Review status: criteria provided, single submitter. Criteria: Invitae Variant Classification Sherloc (09022015). Collection method: clinical testing. Allele origin: germline.
Comment: This sequence change affects codon 865 of the AARS mRNA. It is a 'silent' change, meaning that it does not change the encoded amino acid sequence of the AARS protein. This variant is present in population databases (rs751781504, gnomAD 0.006%). This variant has not been reported in the literature in individuals affected with AARS-related conditions. ClinVar contains an entry for this variant (Variation ID: 572087). Algorithms developed to predict the effect of sequence changes on RNA splicing suggest that this variant may create or strengthen a splice site. In summary, the available evidence is currently insufficient to determine the role of this variant in disease. Therefore, it has been classified as a Variant of Uncertain Significance.

Ambry Genetics
Classification: Likely benign for Inborn genetic diseases. Last evaluated: 2019-07-11. Review status: criteria provided, single submitter. Criteria: Ambry Variant Classification Scheme 2023. Collection method: clinical testing. Allele origin: germline.